The following is an entry in ClinVar:

NM_004525.3(LRP2):c.12923C>T (p.Thr4308Met)

Gene: LRP2 (LDL receptor related protein 2; minus strand). Cytogenetic location: 2q31.1.
Variant type: single nucleotide variant.
Coding change: c.12923C>T on transcript NM_004525.3 (MANE Select); coding-DNA position 12923, C replaced by T.
Protein change: p.Thr4308Met; replaces threonine 4308 with methionine.
Molecular consequence: missense variant.
Genome position (GRCh38, 1-based): chr2:169,145,812, G>A on the plus strand (C>T on the coding strand, the complement: LRP2 is on the minus strand). VCF-style: chr2-169145812-G-A. GRCh37 (hg19) VCF-style: chr2-170002322-G-A.
Other names: short protein forms T4308M.
Identifiers: ClinVar variation 894606 (VCV000894606.11), dbSNP rs543890594, ClinGen allele CA1952700.
Genomic context (GRCh38, chr2:169,145,812, plus strand): 5'-TTATTGTATCTGAGTTGATGAAAGATTCGAACTTGAGTGAGCCAAGGGTTCACTACCAGC[G>A]TTTTCTCTTTCTTTCCTTGCCCAAATTTATTTTGTTTCCATACTTCTCCCTTTTCCTTAG-3'
Protein context (NP_004516.2, residues 4298-4318): NKFGQGKKEK[Thr4308Met]LVVNPWLTQV

ClinVar aggregate classification (germline): Conflicting classifications of pathogenicity. Review status: criteria provided, conflicting classifications (1 of 4 stars). 6 submissions from 6 submitters: Uncertain significance (5); Likely benign (1). Last evaluated 2025-06-29.

Conditions:
Donnai-Barrow syndrome. Also called: DBS/FOAR SYNDROME; FACIOOCULOACOUSTICORENAL SYNDROME. Identifiers: Orphanet 2143, MedGen C1857277, MONDO:0009104, OMIM 222448.
Inborn genetic diseases. Identifiers: MedGen C0950123, MeSH D030342.
LRP2-related disorder. Also called: LRP2-related condition.

Allele frequency attached by ClinVar (database versions not stated): ExAC 0.00007; gnomAD exomes 0.00008 and 0.00013; gnomAD 0.00012 and 0.00014; TOPMed 0.00012.
gnomAD v4.1: 196 of 1,613,974 alleles (0.012%); highest among the groups gnomAD compares: Non-Finnish European, 0.016%; no homozygotes.

Submissions (6):

PreventionGenetics, part of Exact Sciences
Classification: Uncertain significance for LRP2-related condition. Last evaluated: 2025-06-29. Review status: criteria provided, single submitter. Criteria: ACMG Guidelines, 2015. Collection method: clinical testing. Allele origin: germline.
Comment: The LRP2 c.12923C>T variant is predicted to result in the amino acid substitution p.Thr4308Met. This variant has been reported as not co-segregating with hearing loss in a cohort study of non-syndromic hereditary hearing loss (Table 1, Velde et al. 2024. PubMed ID: 39406892). This variant is reported in 0.015% of alleles in individuals of European (Non-Finnish) descent in gnomAD. At this time, the clinical significance of this variant is uncertain due to the absence of conclusive functional and genetic evidence.

Blueprint Genetics
Classification: Uncertain significance. Last evaluated: 2024-09-03. Review status: criteria provided, single submitter. Criteria: ACMG Guidelines, 2015. Collection method: clinical testing. Allele origin: germline.

Fulgent Genetics
Classification: Uncertain significance for Donnai-Barrow syndrome. Last evaluated: 2024-04-30. Review status: criteria provided, single submitter. Criteria: ACMG Guidelines, 2015. Collection method: clinical testing. Allele origin: germline.

Labcorp Genetics (formerly Invitae), Labcorp
Classification: Uncertain significance. Last evaluated: 2022-10-04. Review status: criteria provided, single submitter. Criteria: Invitae Variant Classification Sherloc (09022015). Collection method: clinical testing. Allele origin: germline.
Comment: This sequence change replaces threonine, which is neutral and polar, with methionine, which is neutral and non-polar, at codon 4308 of the LRP2 protein (p.Thr4308Met). This variant is present in population databases (rs543890594, gnomAD 0.01%). This variant has not been reported in the literature in individuals affected with LRP2-related conditions. ClinVar contains an entry for this variant (Variation ID: 894606). Advanced modeling of protein sequence and biophysical properties (such as structural, functional, and spatial information, amino acid conservation, physicochemical variation, residue mobility, and thermodynamic stability) performed at Invitae indicates that this missense variant is not expected to disrupt LRP2 protein function. In summary, the available evidence is currently insufficient to determine the role of this variant in disease. Therefore, it has been classified as a Variant of Uncertain Significance.

Ambry Genetics
Classification: Likely benign for Inborn genetic diseases. Last evaluated: 2022-06-03. Review status: criteria provided, single submitter. Criteria: Ambry Variant Classification Scheme 2023. Collection method: clinical testing. Allele origin: germline.

Illumina Laboratory Services, Illumina
Classification: Uncertain significance for Donnai-Barrow syndrome. Last evaluated: 2018-01-13. Review status: criteria provided, single submitter. Criteria: ICSL Variant Classification Criteria 13 December 2019. Collection method: clinical testing. Allele origin: germline.